The following is an entry in ClinVar:

ClinVar aggregate classification (germline): Benign. Review status: criteria provided, multiple submitters, no conflicts (2 of 4 stars). 3 submissions from 3 submitters: Benign (2). 1 of the submissions does not count toward it. Last evaluated 2026-01-27.

Conditions:
PLEKHG2-related disorder. Also called: PLEKHG2-related condition.

Allele frequency attached by ClinVar (database versions not stated): gnomAD exomes 0.00063 and 0.00187; ExAC 0.00224; 1000 Genomes Project 0.00539; 1000 Genomes Project 30x 0.00562; gnomAD 0.00745 and 0.00809; ESP Exome Variant Server 0.00753; TOPMed 0.00865.
gnomAD v4.1: 2,125 of 1,614,074 alleles (0.13%); highest among the groups gnomAD compares: African/African-American, 2.4%; 20 homozygotes.

Submissions (3):

Labcorp Genetics (formerly Invitae), Labcorp
Classification: Benign. Last evaluated: 2026-01-27. Review status: criteria provided, single submitter. Criteria: Invitae Variant Classification Sherloc (09022015). Collection method: clinical testing. Allele origin: germline.

Breakthrough Genomics
Classification: Benign. Review status: criteria provided, single submitter. Criteria: ACMG Guidelines, 2015. Collection method: not provided. Allele origin: germline. Inheritance: Autosomal recessive inheritance. Affected: yes.

PreventionGenetics, part of Exact Sciences
Classification: Benign for PLEKHG2-related condition. Last evaluated: 2019-04-29. Review status: no assertion criteria provided. Collection method: clinical testing. Allele origin: germline. Not counted in ClinVar's aggregate classification.
Comment: This variant is classified as benign based on ACMG/AMP sequence variant interpretation guidelines (Richards et al. 2015 PMID: 25741868, with internal and published modifications).

NM_022835.3(PLEKHG2):c.2200G>A (p.Glu734Lys)

Gene: PLEKHG2 (pleckstrin homology and RhoGEF domain containing G2; plus strand). Cytogenetic location: 19q13.2.
Variant type: single nucleotide variant.
Coding change: c.2200G>A on transcript NM_022835.3 (MANE Select); coding-DNA position 2200, G replaced by A.
Protein change: p.Glu734Lys; replaces glutamic acid 734 with lysine.
Molecular consequence: missense variant. On other transcripts: intron variant (1).
Genome position (GRCh38, 1-based): chr19:39,423,254, G>A. VCF-style: chr19-39423254-G-A. GRCh37 (hg19) VCF-style: chr19-39913894-G-A.
Other names: c.2023G>A, p.Glu675Lys (NM_001351693.2); c.1677+966G>A (NM_001351694.2); short protein forms E734K, E675K.
Identifiers: ClinVar variation 788618 (VCV000788618.13), dbSNP rs61730570, ClinGen allele CA9429725.